The following is an entry in ClinVar:

ClinVar aggregate classification (germline): Likely benign (0 of 4 stars; one submission).

Conditions:
FGF8-related disorder. Also called: FGF8-related condition.

Submission:

PreventionGenetics, part of Exact Sciences
Classification: Likely benign for FGF8-related condition. Last evaluated: 2022-03-23. Review status: no assertion criteria provided. Collection method: clinical testing. Allele origin: germline.
Comment: This variant is classified as likely benign based on ACMG/AMP sequence variant interpretation guidelines (Richards et al. 2015 PMID: 25741868, with internal and published modifications).

NM_033163.5(FGF8):c.-8C>G

Gene: FGF8 (fibroblast growth factor 8; minus strand). Cytogenetic location: 10q24.32.
Variant type: single nucleotide variant.
Coding change: c.-8C>G on transcript NM_033163.5 (MANE Select); 8 bases upstream of the start codon, C replaced by G.
Molecular consequence: 5 prime UTR variant. On other transcripts: intron variant (1).
Genome position (GRCh38, 1-based): chr10:101,775,908, G>C on the plus strand (C>G on the coding strand, the complement: FGF8 is on the minus strand). VCF-style: chr10-101775908-G-C. GRCh37 (hg19) VCF-style: chr10-103535665-G-C.
Other names: c.-8C>G (NM_006119.6, NM_033164.4, NM_033165.5); c.-160-132C>G (NM_001206389.2).
Identifiers: ClinVar variation 3040931 (VCV003040931.2), dbSNP rs2539371506, ClinGen allele CA2740093511.
Genomic context (GRCh38, chr10:101,775,908, plus strand): 5'-GCAGGGCGGCGCGGTACTCACAGGCAGCTCAGCGCGGAGCGGGGGCTGCCCATGGCGCGC[G>C]GCCCCGGGGCACCGAGAGCCCGGCGGGTCACGCCGTCCCGCGGGCCGCCGCGGGAGGACG-3'